The following is an entry in ClinVar:

NM_001042492.3(NF1):c.18G>A (p.Pro6=)

Genes: MIR4733HG (MIR4733 host gene; minus strand), NF1 (neurofibromin 1; plus strand), LOC111811965 (NF1 (neurofibromin 1) promoter region; plus strand). Cytogenetic location: 17q11.2.
Variant type: single nucleotide variant.
Coding change: c.18G>A on transcript NM_001042492.3 (MANE Select); coding-DNA position 18, G replaced by A.
Protein change: p.Pro6=; no amino-acid change (proline 6 retained).
Molecular consequence: synonymous variant. On other transcripts: non-coding transcript variant (1).
Genome position (GRCh38, 1-based): chr17:31,095,327, G>A. VCF-style: chr17-31095327-G-A. GRCh37 (hg19) VCF-style: chr17-29422345-G-A.
Other names: c.18G>A, p.Pro6= (NM_000267.4, NM_001128147.3).
Identifiers: ClinVar variation 4615722 (VCV004615722.2).

ClinVar aggregate classification (germline): Benign/Likely benign. Review status: criteria provided, multiple submitters, no conflicts (2 of 4 stars). 2 submissions from 2 submitters: Benign (1); Likely benign (1). Last evaluated 2026-05-14.

Conditions:
Neurofibromatosis, type 1 (NF1). Also called: VON RECKLINGHAUSEN DISEASE; NEUROFIBROMATOSIS, TYPE I, SOMATIC; Peripheral type neurofibromatosis; Neurofibromatosis, type I. Identifiers: Orphanet 636, MedGen C0027831, MONDO:0018975, OMIM 162200. Disease mechanism: loss of function.
Cardiovascular phenotype. Identifiers: MedGen CN230736.
Hereditary cancer-predisposing syndrome. Also called: Neoplastic Syndromes, Hereditary; Tumor predisposition; Hereditary neoplastic syndrome; Hereditary Cancer Syndrome. Identifiers: Orphanet 140162, MedGen C0027672, MeSH D009386, MONDO:0015356.

Submissions (2):

Myriad Genetics, Inc.
Classification: Benign for Neurofibromatosis, type 1. Last evaluated: 2026-05-14. Review status: criteria provided, single submitter. Criteria: Myriad Autosomal Dominant, Autosomal Recessive and X-Linked Classification Criteria (2023). Collection method: clinical testing. Allele origin: unknown.
Comment: This variant is considered benign. This variant is a silent/synonymous amino acid change and it is not expected to impact splicing.

Ambry Genetics
Classification: Likely benign for Cardiovascular phenotype; Hereditary cancer-predisposing syndrome. Last evaluated: 2025-09-21. Review status: criteria provided, single submitter. Criteria: Ambry Variant Classification Scheme 2023. Collection method: clinical testing. Allele origin: germline.